The following is an entry in ClinVar:

NM_020778.5(ALPK3):c.1708G>C (p.Asp570His)

Gene: ALPK3 (alpha kinase 3; plus strand). Cytogenetic location: 15q25.3.
Variant type: single nucleotide variant.
Coding change: c.1708G>C on transcript NM_020778.5 (MANE Select); coding-DNA position 1708, G replaced by C.
Protein change: p.Asp570His; replaces aspartic acid 570 with histidine.
Molecular consequence: missense variant.
Genome position (GRCh38, 1-based): chr15:84,856,446, G>C. VCF-style: chr15-84856446-G-C. GRCh37 (hg19) VCF-style: chr15-85399677-G-C.
Other names: short protein forms D570H.
Identifiers: ClinVar variation 4086751 (VCV004086751.1).

ClinVar aggregate classification (germline): Uncertain significance (1 of 4 stars; one submission).

gnomAD v4.1: 2 of 1,613,668 alleles (0.00012%); highest among the groups gnomAD compares: South Asian, 0.0022%; no homozygotes.

Submission:

GeneDx
Classification: Uncertain significance. Last evaluated: 2025-03-19. Review status: criteria provided, single submitter. Criteria: GeneDx Variant Classification Process June 2021. Collection method: clinical testing. Allele origin: germline. Affected: yes.
Comment: Not observed at significant frequency in large population cohorts (gnomAD); In silico analysis indicates that this missense variant does not alter protein structure/function; Has not been previously published as pathogenic or benign to our knowledge